The following is an entry in ClinVar:

ClinVar aggregate classification (germline): Pathogenic. Review status: criteria provided, multiple submitters, no conflicts (2 of 4 stars). 4 submissions from 4 submitters: Pathogenic (3). 1 of the submissions does not count toward it. Last evaluated 2026-03-30.

Conditions:
Inborn genetic diseases. Identifiers: MedGen C0950123, MeSH D030342.
Developmental and epileptic encephalopathy, 65. Also called: EPILEPTIC ENCEPHALOPATHY, EARLY INFANTILE, 65. Identifiers: MedGen C4693925, MONDO:0033374, OMIM 618008.
Intellectual disability. Also called: intellectual disabilities; Intellectual developmental disorder; Intellectual functioning disability. Identifiers: MedGen C3714756, MeSH D008607, MONDO:0001071, HP:0001249.

Submissions (4):

Ambry Genetics
Classification: Pathogenic for Inborn genetic diseases. Last evaluated: 2026-03-30. Review status: criteria provided, single submitter. Criteria: Ambry Variant Classification Scheme 2023. Collection method: clinical testing. Allele origin: germline.
Comment: The c.1918G>A (p.E640K) alteration is located in exon 17 (coding exon 16) of the CYFIP2 gene. This alteration results from a G to A substitution at nucleotide position 1918, causing the glutamic acid (E) at amino acid position 640 to be replaced by a lysine (K). This variant was not reported in population-based cohorts in the Genome Aggregation Database (gnomAD). This variant was reported in individual(s) with features consistent with CYFIP2-related developmental and epileptic encephalopathy; in at least one individual, it was determined to be de novo (Zweier, 2019; J&auml;rvel&auml;, 2021; external communication). This amino acid position is highly conserved in available vertebrate species. This alteration is predicted to be deleterious by in silico analysis. Based on the available evidence, this alteration is classified as pathogenic.

GeneDx
Classification: Pathogenic. Last evaluated: 2023-05-18. Review status: criteria provided, single submitter. Criteria: GeneDx Variant Classification Process June 2021. Collection method: clinical testing. Allele origin: germline. Affected: yes.
Comment: Not observed at significant frequency in large population cohorts (gnomAD); In silico analysis supports that this missense variant has a deleterious effect on protein structure/function; This variant is associated with the following publications: (PMID: 31785789, 29534297, 28135719, 32486060, 32560809, 30664714, 33710394)

Center for Statistical Genetics, Columbia University
Classification: Pathogenic for Intellectual disability. Last evaluated: 2020-10-16. Review status: criteria provided, single submitter. Criteria: ACMG Guidelines, 2015. Collection method: research. Allele origin: de novo. Affected: yes.

OMIM
Classification: Pathogenic for DEVELOPMENTAL AND EPILEPTIC ENCEPHALOPATHY 65. Last evaluated: 2020-11-17. Review status: no assertion criteria provided. Collection method: literature only. Allele origin: germline. Not counted in ClinVar's aggregate classification.

Literature cited by the submitters: PubMed 30664714 (cited by Ambry Genetics and OMIM); PubMed 33710394 (cited by Ambry Genetics).

NM_001037333.3(CYFIP2):c.1918G>A (p.Glu640Lys)

Gene: CYFIP2 (cytoplasmic FMR1 interacting protein 2; plus strand). Cytogenetic location: 5q33.3.
Variant type: single nucleotide variant.
Coding change: c.1918G>A on transcript NM_001037333.3 (MANE Select); coding-DNA position 1918, G replaced by A.
Protein change: p.Glu640Lys; replaces glutamic acid 640 with lysine.
Molecular consequence: missense variant.
Genome position (GRCh38, 1-based): chr5:157,325,574, G>A. VCF-style: chr5-157325574-G-A. GRCh37 (hg19) VCF-style: chr5-156752582-G-A.
Other names: c.1840G>A, p.Glu614Lys (NM_001291721.2); c.1993G>A, p.Glu665Lys (NM_001291722.2); c.1918G>A, p.Glu640Lys (NM_014376.4); c.1918G>A (NM_001037333.2, NM_001037333.1); short protein forms E665K, E614K, E640K.
Identifiers: ClinVar variation 973750 (VCV000973750.5), dbSNP rs1760957806, ClinGen allele CA361970252.